The following is an entry in ClinVar:

ClinVar aggregate classification (germline): Conflicting classifications of pathogenicity. Review status: criteria provided, conflicting classifications (1 of 4 stars). 4 submissions from 4 submitters: Uncertain significance (2); Likely benign (2). Last evaluated 2026-01-27.

Conditions:
Autoinflammatory syndrome. Identifiers: Orphanet 93665, MedGen C3890737, MONDO:0019751.
Regional enteritis. Also called: Enteritis, Granulomatous. Identifiers: MedGen C0678202, MeSH D003424.
Blau syndrome (BLAUS). Also called: JABS SYNDROME; ARTHROCUTANEOUVEAL GRANULOMATOSIS; GRANULOMATOSIS, FAMILIAL JUVENILE SYSTEMIC; GRANULOMATOSIS, FAMILIAL, BLAU TYPE; GRANULOMATOUS INFLAMMATORY ARTHRITIS, DERMATITIS, AND UVEITIS, FAMILIAL. Identifiers: Orphanet 90340, MedGen C5201146, MONDO:0008523, OMIM 186580.
Inflammatory bowel disease 1 (IBD1). Also called: Inflammatory bowel disease 1, Crohn disease; INFLAMMATORY BOWEL DISEASE (CROHN DISEASE) 1. Identifiers: MedGen CN260071, MONDO:0009960, OMIM 266600.

Allele frequency attached by ClinVar (database versions not stated): ExAC 0.00012; ESP Exome Variant Server 0.00015; gnomAD exomes 0.00016 and 0.00017; TOPMed 0.00019; gnomAD 0.00022 and 0.00024.
gnomAD v4.1: 275 of 1,613,918 alleles (0.017%); highest among the groups gnomAD compares: Non-Finnish European, 0.021%; no homozygotes.

Submissions (4):

Labcorp Genetics (formerly Invitae), Labcorp
Classification: Likely benign for Regional enteritis; Blau syndrome. Last evaluated: 2026-01-27. Review status: criteria provided, single submitter. Criteria: Invitae Variant Classification Sherloc (09022015). Collection method: clinical testing. Allele origin: germline.

CeGaT Center for Human Genetics Tuebingen
Classification: Likely benign. Last evaluated: 2024-02-01. Review status: criteria provided, single submitter. Criteria: CeGaT Center For Human Genetics Tuebingen Variant Classification Criteria Version 2. Collection method: clinical testing. Allele origin: germline. Affected: yes. Observed: 4 variant alleles.
Comment: NOD2: BP4, BS1

Genome Diagnostics Laboratory, The Hospital for Sick Children
Classification: Uncertain significance for Autoinflammatory syndrome. Last evaluated: 2021-11-30. Review status: criteria provided, single submitter. Criteria: ACMG Guidelines, 2015. Collection method: clinical testing. Allele origin: germline. Affected: yes.

Illumina Laboratory Services, Illumina
Classification: Uncertain significance for Inflammatory bowel disease 1. Last evaluated: 2017-04-28. Review status: criteria provided, single submitter. Criteria: ICSL Variant Classification Criteria 13 December 2019. Collection method: clinical testing. Allele origin: germline.
Comment: This variant was observed as part of a predisposition screen in an ostensibly healthy population. A literature search was performed for the gene, cDNA change, and amino acid change (where applicable). Publications were found based on this search. However, the evidence from the literature, in combination with allele frequency data from public databases where available, was not sufficient to rule this variant in or out of causing disease. Therefore, this variant is classified as a variant of unknown significance.

Literature cited by the submitters: PubMed 12626759 (cited by Illumina Laboratory Services, Illumina); PubMed 11875755 (cited by Illumina Laboratory Services, Illumina).

NM_001370466.1(NOD2):c.1214C>T (p.Ala405Val)

Gene: NOD2 (nucleotide binding oligomerization domain containing 2; plus strand). Cytogenetic location: 16q12.1.
Variant type: single nucleotide variant.
Coding change: c.1214C>T on transcript NM_001370466.1 (MANE Select); coding-DNA position 1214, C replaced by T.
Protein change: p.Ala405Val; replaces alanine 405 with valine.
Molecular consequence: missense variant. On other transcripts: non-coding transcript variant (1).
Genome position (GRCh38, 1-based): chr16:50,711,206, C>T. VCF-style: chr16-50711206-C-T. GRCh37 (hg19) VCF-style: chr16-50745117-C-T.
Other names: c.1214C>T, p.Ala405Val (NM_001293557.2); c.1295C>T, p.Ala432Val (NM_022162.3); short protein forms A432V, A405V.
Identifiers: ClinVar variation 651644 (VCV000651644.43), dbSNP rs2076754, ClinGen allele CA8051510.